The following is an entry in ClinVar:

NM_001142800.2(EYS):c.8054G>A (p.Gly2685Glu)

Gene: EYS (EGF-like photoreceptor maintenance factor; minus strand). Cytogenetic location: 6q12.
Variant type: single nucleotide variant.
Coding change: c.8054G>A on transcript NM_001142800.2 (MANE Select); coding-DNA position 8054, G replaced by A.
Protein change: p.Gly2685Glu; replaces glycine 2685 with glutamic acid.
Molecular consequence: missense variant.
Genome position (GRCh38, 1-based): chr6:63,762,478, C>T on the plus strand (G>A on the coding strand, the complement: EYS is on the minus strand). VCF-style: chr6-63762478-C-T. GRCh37 (hg19) VCF-style: chr6-64472371-C-T.
Other names: c.8054G>A, p.Gly2685Glu (NM_001292009.2); short protein forms G2685E.
Identifiers: ClinVar variation 636030 (VCV000636030.12), dbSNP rs919157306, ClinGen allele CA140241316.
Genomic context (GRCh38, chr6:63,762,478, plus strand): 5'-GTTATATTTGTGGACAGCAAAATGATTTGAAATTCTGCCTCACCTTGTTCACAGTAGATT[C>T]CAGTGGTTCCTAGAGGACAGAAACAGGTGTATCCATGAGGTAATGAAATGCAGGTTGCTC-3'
Protein context (NP_001136272.1, residues 2675-2695): YTCFCPLGTT[Gly2685Glu]IYCEQALSIS

ClinVar aggregate classification (germline): Pathogenic/Likely pathogenic. Review status: criteria provided, multiple submitters, no conflicts (2 of 4 stars). 9 submissions from 9 submitters: Pathogenic (3); Likely pathogenic (5). 1 of the submissions does not count toward it. Last evaluated 2026-04-10.

Conditions:
Retinitis pigmentosa 25 (RP25). Identifiers: Orphanet 791, MedGen C1864446, MONDO:0011272, OMIM 602772.
EYS-related disorder. Also called: EYS-related condition.
Retinitis pigmentosa (RP). Identifiers: Orphanet 791, MedGen C0035334, MeSH D012174, MONDO:0019200, OMIM 268000. Inheritance: Autosomal dominant, autosomal recessive and X linked inheritance.

Allele frequency attached by ClinVar (database versions not stated): gnomAD exomes 0.00001; TOPMed 0.00001; gnomAD 0.00002.
gnomAD v4.1: 142 of 1,549,818 alleles (0.0092%); highest among the groups gnomAD compares: Non-Finnish European, 0.012%; no homozygotes.

Submissions (9):

PreventionGenetics, part of Exact Sciences
Classification: Likely pathogenic for EYS-related condition. Last evaluated: 2026-04-10. Review status: criteria provided, single submitter. Criteria: ACMG Guidelines, 2015. Collection method: clinical testing. Allele origin: germline.
Comment: The EYS c.8054G>A variant is predicted to result in the amino acid substitution p.Gly2685Glu. This variant has been reported in the absence of a second EYS variant in an individual with retinitis pigmentosa (Abd El-Aziz et al. 2010. PubMed ID: 20237254). This variant has also been reported along with an EYS copy number variant (Table S5, Ellingford et al. 2017. PubMed ID: 29074561), along with EYS frameshift variants (Cundy et al. 2020. PubMed ID: 32728228; Table S4, Jespersgaard et al. 2019. PubMed ID: 30718709), and along with an EYS missense variant (Table S4, Panneman et al. 2023. PubMed ID: 36819107). This variant is present in 0.0040% of alleles in individuals of European (Non-Finnish) descent in gnomAD. This variant is interpreted as likely pathogenic.

3billion
Classification: Likely pathogenic for Retinitis pigmentosa 25. Last evaluated: 2026-01-09. Review status: criteria provided, single submitter. Criteria: ACMG Guidelines, 2015. Collection method: clinical testing. Allele origin: germline. Affected: yes.
Comment: The variant is observed at an extremely low frequency in the gnomAD v4.1.0 dataset (total allele frequency: 0.009%). Predicted Consequence/Location: Missense variant In silico tool predictions suggest damaging effect of the variant on gene or gene product [REVEL: 0.84 (>=0.6, sensitivity 0.68 and specificity 0.92)]. The same nucleotide change resulting in the same amino acid change has been previously reported as pathogenic/likely pathogenic with strong evidence (ClinVar ID: VCV000636030 /PMID: 20237254). A different missense change at the same codon (p.Gly2685Arg) has been reported to be associated with EYS-related disorder (ClinVar ID: VCV004536625). Therefore, this variant is classified as Likely pathogenic according to the recommendation of ACMG/AMP guideline.

Labcorp Genetics (formerly Invitae), Labcorp
Classification: Pathogenic. Last evaluated: 2025-08-15. Review status: criteria provided, single submitter. Criteria: Invitae Variant Classification Sherloc (09022015). Collection method: clinical testing. Allele origin: germline.
Comment: This sequence change replaces glycine, which is neutral and non-polar, with glutamic acid, which is acidic and polar, at codon 2685 of the EYS protein (p.Gly2685Glu). This variant is present in population databases (no rsID available, gnomAD 0.004%). This missense change has been observed in individuals with retinitis pigmentosa (PMID: 29074561, 30718709, 32728228, 36819107). ClinVar contains an entry for this variant (Variation ID: 636030). Invitae Evidence Modeling of protein sequence and biophysical properties (such as structural, functional, and spatial information, amino acid conservation, physicochemical variation, residue mobility, and thermodynamic stability) indicates that this missense variant is expected to disrupt EYS protein function with a positive predictive value of 80%. For these reasons, this variant has been classified as Pathogenic.

Myriad Genetics, Inc.
Classification: Likely pathogenic for Retinitis pigmentosa 25. Last evaluated: 2025-06-16. Review status: criteria provided, single submitter. Criteria: Myriad Autosomal Dominant, Autosomal Recessive and X-Linked Classification Criteria (2023). Collection method: clinical testing. Allele origin: unknown.
Comment: NM_001142800.1(EYS):c.8054G>A(G2685E) is a missense variant classified as likely pathogenic in the context of retinitis pigmentosa, EYS-related. G2685E has been observed in cases with relevant disease (PMID: 30718709, 29074561, 36819107, 32728228, 20237254). Relevant functional assessments of this variant are not available in the literature. G2685E has been observed in referenced population frequency databases. In summary, NM_001142800.1(EYS):c.8054G>A(G2685E) is a missense variant that has been observed more frequently in cases with the relevant disease than in healthy populations. Please note: this variant was assessed in the context of healthy population screening.

Women's Health and Genetics/Laboratory Corporation of America, LabCorp
Classification: Likely pathogenic for Retinitis pigmentosa. Last evaluated: 2024-05-29. Review status: criteria provided, single submitter. Criteria: LabCorp Variant Classification Summary - May 2015. Collection method: clinical testing. Allele origin: germline.
Comment: Variant summary: EYS c.8054G>A (p.Gly2685Glu) results in a non-conservative amino acid change located in the EGF like domain (IPR000742) of the encoded protein sequence.Five of five in-silico tools predict a damaging effect of the variant on protein function. The variant allele was found at a frequency of 6.4e-06 in 156048 control chromosomes. c.8054G>A has been reported in the literature in individuals affected with clinical features of retinitis pigmentosa (examples: Ellingford_2018, Cundy_2021, Xu_2021, Panneman_2023). These data indicate that the variant is likely to be associated with disease. To our knowledge, no experimental evidence demonstrating an impact on protein function has been reported. The following publications have been ascertained in the context of this evaluation (PMID: 20237254, 32728228, 29074561, 36819107, 34178978). ClinVar contains an entry for this variant (Variation ID: 636030). Based on the evidence outlined above, the variant was classified as likely pathogenic.

Fulgent Genetics
Classification: Likely pathogenic for Retinitis pigmentosa 25. Last evaluated: 2024-05-28. Review status: criteria provided, single submitter. Criteria: ACMG Guidelines, 2015. Collection method: clinical testing. Allele origin: germline.

Baylor Genetics
Classification: Pathogenic for Retinitis pigmentosa 25. Last evaluated: 2024-01-24. Review status: criteria provided, single submitter. Criteria: ACMG Guidelines, 2015. Collection method: clinical testing. Allele origin: unknown.

Blueprint Genetics
Classification: Pathogenic for EYS-related disorders. Last evaluated: 2023-10-23. Review status: criteria provided, single submitter. Criteria: ACMG Guidelines, 2015. Collection method: clinical testing. Allele origin: germline. Affected: yes. Observed: 5 variant alleles.

Department of Clinical Genetics, Copenhagen University Hospital, Rigshospitalet
Classification: Likely pathogenic for Retinitis pigmentosa. Last evaluated: 2018-04-01. Review status: no assertion criteria provided. Collection method: research. Allele origin: unknown. Affected: yes. Study: VeluxRD. Not counted in ClinVar's aggregate classification.

Literature cited by the submitters: PubMed 20237254 (cited by 3 submitters); PubMed 29074561 (cited by 3 submitters); PubMed 30718709 (cited by 3 submitters); PubMed 32728228 (cited by 3 submitters); PubMed 36819107 (cited by 3 submitters); PubMed 34178978 (cited by Women's Health and Genetics/Laboratory Corporation of America, LabCorp).